The following is an entry in ClinVar:

NM_002336.3(LRP6):c.692C>T (p.Thr231Met)

Gene: LRP6 (LDL receptor related protein 6; minus strand). Cytogenetic location: 12p13.2.
Variant type: single nucleotide variant.
Coding change: c.692C>T on transcript NM_002336.3 (MANE Select); coding-DNA position 692, C replaced by T.
Protein change: p.Thr231Met; replaces threonine 231 with methionine.
Molecular consequence: missense variant. On other transcripts: non-coding transcript variant (1).
Genome position (GRCh38, 1-based): chr12:12,187,075, G>A on the plus strand (C>T on the coding strand, the complement: LRP6 is on the minus strand). VCF-style: chr12-12187075-G-A. GRCh37 (hg19) VCF-style: chr12-12340009-G-A.
Other names: c.692C>T, p.Thr231Met (NM_001414244.1, NM_001414245.1, NM_001414246.1 and 5 more transcripts); c.494C>T, p.Thr165Met (NM_001414247.1); c.239C>T, p.Thr80Met (NM_001414252.1, NM_001414253.1, NM_001414254.1); short protein forms T165M, T231M, T80M.
Identifiers: ClinVar variation 3623858 (VCV003623858.3).
Genomic context (GRCh38, chr12:12,187,075, plus strand): 5'-TTGCAAGCCAAAATGGAGTGTGTGCTCCAGTCAGTCCAGTACAATATGTCCTCAAATAAC[G>A]TCAAGGCAAAAGGATGTGGAAGGGAACCTTTAACCACTGCCTGCCTATTAACATAAAGAG-3'
Protein context (NP_002327.2, residues 221-241): KGSLPHPFAL[Thr231Met]LFEDILYWTD

ClinVar aggregate classification (germline): Uncertain significance. Review status: criteria provided, multiple submitters, no conflicts (2 of 4 stars). 2 submissions from 2 submitters: Uncertain significance (2). Last evaluated 2024-02-02.

gnomAD v4.1: 2 of 1,614,040 alleles (0.00012%); highest among the groups gnomAD compares: Non-Finnish European, 0.00017%; no homozygotes.

Submissions (2):

Labcorp Genetics (formerly Invitae), Labcorp
Classification: Uncertain significance. Last evaluated: 2024-02-02. Review status: criteria provided, single submitter. Criteria: Invitae Variant Classification Sherloc (09022015). Collection method: clinical testing. Allele origin: germline.
Comment: This sequence change replaces threonine, which is neutral and polar, with methionine, which is neutral and non-polar, at codon 231 of the LRP6 protein (p.Thr231Met). This variant is not present in population databases (gnomAD no frequency). This variant has not been reported in the literature in individuals affected with LRP6-related conditions. Advanced modeling of protein sequence and biophysical properties (such as structural, functional, and spatial information, amino acid conservation, physicochemical variation, residue mobility, and thermodynamic stability) has been performed at Invitae for this missense variant, however the output from this modeling did not meet the statistical confidence thresholds required to predict the impact of this variant on LRP6 protein function. In summary, the available evidence is currently insufficient to determine the role of this variant in disease. Therefore, it has been classified as a Variant of Uncertain Significance.

Blueprint Genetics
Classification: Uncertain significance. Last evaluated: 2023-10-06. Review status: criteria provided, single submitter. Criteria: ACMG Guidelines, 2015. Collection method: clinical testing. Allele origin: germline.